The following is an entry in ClinVar:

NM_016065.4(MRPS16):c.220C>T (p.Arg74Cys)

Genes: DNAJC9-AS1 (DNAJC9 and MRPS16 antisense RNA 1; plus strand), MRPS16 (mitochondrial ribosomal protein S16; minus strand). Cytogenetic location: 10q22.2.
Variant type: single nucleotide variant.
Coding change: c.220C>T on transcript NM_016065.4 (MANE Select); coding-DNA position 220, C replaced by T.
Protein change: p.Arg74Cys; replaces arginine 74 with cysteine.
Molecular consequence: missense variant.
Genome position (GRCh38, 1-based): chr10:73,251,817, G>A on the plus strand (C>T on the coding strand, the complement: MRPS16 is on the minus strand). VCF-style: chr10-73251817-G-A. GRCh37 (hg19) VCF-style: chr10-75011575-G-A.
Other names: c.220C>T, p.Arg74Cys (NM_001410935.1); short protein forms R74C.
Identifiers: ClinVar variation 2970745 (VCV002970745.3), dbSNP rs1242031161, ClinGen allele CA377192985.

ClinVar aggregate classification (germline): Uncertain significance (1 of 4 stars; one submission).

Allele frequency attached by ClinVar (database versions not stated): gnomAD exomes below 0.00001; gnomAD 0.00001.

Submission:

Labcorp Genetics (formerly Invitae), Labcorp
Classification: Uncertain significance. Last evaluated: 2022-11-15. Review status: criteria provided, single submitter. Criteria: Invitae Variant Classification Sherloc (09022015). Collection method: clinical testing. Allele origin: germline.
Comment: This variant has not been reported in the literature in individuals affected with MRPS16-related conditions. Algorithms developed to predict the effect of missense changes on protein structure and function output the following: SIFT: "Deleterious"; PolyPhen-2: "Benign"; Align-GVGD: "Class C55". The cysteine amino acid residue is found in multiple mammalian species, which suggests that this missense change does not adversely affect protein function. In summary, the available evidence is currently insufficient to determine the role of this variant in disease. Therefore, it has been classified as a Variant of Uncertain Significance. This sequence change replaces arginine, which is basic and polar, with cysteine, which is neutral and slightly polar, at codon 74 of the MRPS16 protein (p.Arg74Cys). This variant is present in population databases (no rsID available, gnomAD 0.004%).